The following is an entry in ClinVar:

ClinVar aggregate classification (germline): Benign/Likely benign. Review status: criteria provided, multiple submitters, no conflicts (2 of 4 stars). 3 submissions from 3 submitters: Benign (1); Likely benign (2). Last evaluated 2024-10-10.

Conditions:
Hereditary cancer-predisposing syndrome. Also called: Neoplastic Syndromes, Hereditary; Tumor predisposition; Hereditary Cancer Syndrome; Hereditary neoplastic syndrome. Identifiers: Orphanet 140162, MedGen C0027672, MeSH D009386, MONDO:0015356.
Hereditary diffuse gastric adenocarcinoma (HDGC). Also called: DIFFUSE GASTRIC AND LOBULAR BREAST CANCER SYNDROME. Identifiers: Orphanet 26106, MedGen C1708349, MONDO:0007648, OMIM 137215.

Submissions (3):

Myriad Genetics, Inc.
Classification: Benign for Hereditary diffuse gastric adenocarcinoma. Last evaluated: 2024-10-10. Review status: criteria provided, single submitter. Criteria: Myriad Autosomal Dominant, Autosomal Recessive and X-Linked Classification Criteria (2023). Collection method: clinical testing. Allele origin: unknown.
Comment: This variant is considered benign. This variant is a silent/synonymous amino acid change and it is not expected to impact splicing.

Labcorp Genetics (formerly Invitae), Labcorp
Classification: Likely benign. Last evaluated: 2022-03-13. Review status: criteria provided, single submitter. Criteria: Invitae Variant Classification Sherloc (09022015). Collection method: clinical testing. Allele origin: germline.

Ambry Genetics
Classification: Likely benign for Hereditary cancer-predisposing syndrome. Last evaluated: 2019-08-12. Review status: criteria provided, single submitter. Criteria: Ambry Variant Classification Scheme 2023. Collection method: clinical testing. Allele origin: germline.

NM_001903.5(CTNNA1):c.559C>T (p.Leu187=)

Gene: CTNNA1 (catenin alpha 1; plus strand). Cytogenetic location: 5q31.2.
Variant type: single nucleotide variant.
Coding change: c.559C>T on transcript NM_001903.5 (MANE Select); coding-DNA position 559, C replaced by T.
Protein change: p.Leu187=; no amino-acid change (leucine 187 retained).
Molecular consequence: synonymous variant.
Genome position (GRCh38, 1-based): chr5:138,812,273, C>T. VCF-style: chr5-138812273-C-T. GRCh37 (hg19) VCF-style: chr5-138147962-C-T.
Other names: c.559C>T, p.Leu187= (NM_001290307.3, NM_001323982.2, NM_001323983.1 and 3 more transcripts); c.250C>T, p.Leu84= (NM_001290309.3); c.190C>T, p.Leu64= (NM_001290310.3).
Identifiers: ClinVar variation 1748529 (VCV001748529.8), dbSNP rs1758900525, ClinGen allele CA446591425.